The following is an entry in ClinVar:

ClinVar aggregate classification (germline): Likely benign (0 of 4 stars; one submission).

Conditions:
ADCY3-related disorder. Also called: ADCY3-related condition.

gnomAD v4.1: 3 of 1,614,218 alleles (0.00019%); highest among the groups gnomAD compares: Admixed American, 0.005%; no homozygotes.

Submission:

PreventionGenetics, part of Exact Sciences
Classification: Likely benign for ADCY3-related condition. Last evaluated: 2024-08-13. Review status: no assertion criteria provided. Collection method: clinical testing. Allele origin: germline.
Comment: This variant is classified as likely benign based on ACMG/AMP sequence variant interpretation guidelines (Richards et al. 2015 PMID: 25741868, with internal and published modifications).

NM_004036.5(ADCY3):c.2352A>G (p.Ala784=)

Gene: ADCY3 (adenylate cyclase 3; minus strand). Cytogenetic location: 2p23.3.
Variant type: single nucleotide variant.
Coding change: c.2352A>G on transcript NM_004036.5 (MANE Select); coding-DNA position 2352, A replaced by G.
Protein change: p.Ala784=; no amino-acid change (alanine 784 retained).
Molecular consequence: synonymous variant. On other transcripts: intron variant (1).
Genome position (GRCh38, 1-based): chr2:24,827,982, T>C on the plus strand (A>G on the coding strand, the complement: ADCY3 is on the minus strand). VCF-style: chr2-24827982-T-C. GRCh37 (hg19) VCF-style: chr2-25050851-T-C.
Other names: c.2352A>G, p.Ala784= (NM_001320613.2, NM_001377132.1); c.2418A>G, p.Ala806= (NM_001377128.1); c.2214A>G, p.Ala738= (NM_001377129.1); c.1629A>G, p.Ala543= (NM_001377131.1); c.2172+2727A>G (NM_001377130.1).
Identifiers: ClinVar variation 3357929 (VCV003357929.1).